The following is an entry in ClinVar:

NM_213599.3(ANO5):c.514C>A (p.Pro172Thr)

Gene: ANO5 (anoctamin 5; plus strand). Cytogenetic location: 11p14.3.
Variant type: single nucleotide variant.
Coding change: c.514C>A on transcript NM_213599.3 (MANE Select); coding-DNA position 514, C replaced by A.
Protein change: p.Pro172Thr; replaces proline 172 with threonine.
Molecular consequence: missense variant.
Genome position (GRCh38, 1-based): chr11:22,227,452, C>A. VCF-style: chr11-22227452-C-A. GRCh37 (hg19) VCF-style: chr11-22248998-C-A.
Other names: c.511C>A, p.Pro171Thr (NM_001142649.2); c.472C>A, p.Pro158Thr (NM_001410963.1); c.469C>A, p.Pro157Thr (NM_001410964.1); short protein forms P157T, P158T, P171T, P172T.
Identifiers: ClinVar variation 3753727 (VCV003753727.2).
Genomic context (GRCh38, chr11:22,227,452, plus strand): 5'-CCTATTAAGGAGAGTGATATTCCCCGCCCTAAGCACACTCCTATAAGCTATGTGCTTGGA[C>A]CTGTAAGACTCCCACTGAGTGTGAAGTATCCCCATCCTGAATATTTTACTGCACAATTCA-3'
Protein context (NP_998764.1, residues 162-182): KHTPISYVLG[Pro172Thr]VRLPLSVKYP

ClinVar aggregate classification (germline): Uncertain significance (1 of 4 stars; one submission).

Conditions:
Gnathodiaphyseal dysplasia (GDD). Also called: GNATHODIAPHYSEAL SCLEROSIS; OSTEOGENESIS IMPERFECTA WITH UNUSUAL SKELETAL LESIONS. Identifiers: Orphanet 53697, MedGen C1833736, MONDO:0008151, OMIM 166260.
Autosomal recessive limb-girdle muscular dystrophy type 2L (LGMDR12). Also called: Limb-girdle muscular dystrophy, type 2L; MUSCULAR DYSTROPHY, LIMB-GIRDLE, AUTOSOMAL RECESSIVE 12; Limb-Girdle Muscular Dystrophy R12 Anoctamin-5-Related (LGMD-R12). Identifiers: Orphanet 206549, MedGen C1969785, MONDO:0012652, OMIM 611307.

Submission:

Labcorp Genetics (formerly Invitae), Labcorp
Classification: Uncertain significance for Autosomal recessive limb-girdle muscular dystrophy type 2L; Gnathodiaphyseal dysplasia. Last evaluated: 2024-04-16. Review status: criteria provided, single submitter. Criteria: Invitae Variant Classification Sherloc (09022015). Collection method: clinical testing. Allele origin: germline.
Comment: This sequence change replaces proline, which is neutral and non-polar, with threonine, which is neutral and polar, at codon 172 of the ANO5 protein (p.Pro172Thr). This variant is not present in population databases (gnomAD no frequency). This variant has not been reported in the literature in individuals affected with ANO5-related conditions. Advanced modeling of protein sequence and biophysical properties (such as structural, functional, and spatial information, amino acid conservation, physicochemical variation, residue mobility, and thermodynamic stability) has been performed at Invitae for this missense variant, however the output from this modeling did not meet the statistical confidence thresholds required to predict the impact of this variant on ANO5 protein function. In summary, the available evidence is currently insufficient to determine the role of this variant in disease. Therefore, it has been classified as a Variant of Uncertain Significance.